The following is an entry in ClinVar:

NM_004333.6(BRAF):c.1180T>G (p.Ser394Ala)

Gene: BRAF (B-Raf proto-oncogene, serine/threonine kinase; minus strand). Cytogenetic location: 7q34.
Variant type: single nucleotide variant.
Coding change: c.1180T>G on transcript NM_004333.6 (MANE Select); coding-DNA position 1180, T replaced by G.
Protein change: p.Ser394Ala; replaces serine 394 with alanine.
Molecular consequence: missense variant. On other transcripts: intron variant (2).
Genome position (GRCh38, 1-based): chr7:140,783,155, A>C on the plus strand (T>G on the coding strand, the complement: BRAF is on the minus strand). VCF-style: chr7-140783155-A-C. GRCh37 (hg19) VCF-style: chr7-140482955-A-C.
Other names: c.1180T>G, p.Ser394Ala (NM_001354609.2, NM_001378468.1, NM_001378474.1); c.1300T>G, p.Ser434Ala (NM_001374244.1, NM_001374258.1); c.1189T>G, p.Ser397Ala (NM_001378467.1); c.1078T>G, p.Ser360Ala (NM_001378470.1); c.1024T>G, p.Ser342Ala (NM_001378472.1, NM_001378473.1); c.916T>G, p.Ser306Ala (NM_001378475.1); c.1141-72T>G (NM_001378471.1); c.1178-64T>G (NM_001378469.1); short protein forms S342A, S434A, S306A, S360A, S397A, S394A.
Identifiers: ClinVar variation 3709727 (VCV003709727.2).

ClinVar aggregate classification (germline): Uncertain significance (1 of 4 stars; one submission).

Conditions:
RASopathy. Also called: rasopathies; Noonan spectrum disorder. Identifiers: Orphanet 536391, MedGen C5555857, MONDO:0021060.

Submission:

Labcorp Genetics (formerly Invitae), Labcorp
Classification: Uncertain significance for RASopathy. Last evaluated: 2024-05-25. Review status: criteria provided, single submitter. Criteria: Invitae Variant Classification Sherloc (09022015). Collection method: clinical testing. Allele origin: germline.
Comment: This sequence change replaces serine, which is neutral and polar, with alanine, which is neutral and non-polar, at codon 394 of the BRAF protein (p.Ser394Ala). This variant is not present in population databases (gnomAD no frequency). This variant has not been reported in the literature in individuals affected with BRAF-related conditions. An algorithm developed to predict the effect of missense changes on protein structure and function (PolyPhen-2) suggests that this variant is likely to be tolerated. In summary, the available evidence is currently insufficient to determine the role of this variant in disease. Therefore, it has been classified as a Variant of Uncertain Significance.